The following is an entry in ClinVar:

ClinVar aggregate classification (germline): Uncertain significance. Review status: criteria provided, multiple submitters, no conflicts (2 of 4 stars). 2 submissions from 2 submitters: Uncertain significance (2). Last evaluated 2025-03-08.

Conditions:
Epileptic encephalopathy. Identifiers: MedGen C0543888, HP:0200134.

Allele frequency attached by ClinVar (database versions not stated): gnomAD exomes 0.00001 and 0.00003; ExAC 0.00002; gnomAD 0.00009 and 0.00010; TOPMed 0.00015; 1000 Genomes Project 30x 0.00016; ESP Exome Variant Server 0.00016; 1000 Genomes Project 0.00020.
gnomAD v4.1: 32 of 1,614,018 alleles (0.002%); highest among the groups gnomAD compares: African/African-American, 0.04%; no homozygotes.

Submissions (2):

Ambry Genetics
Classification: Uncertain significance. Last evaluated: 2025-03-08. Review status: criteria provided, single submitter. Criteria: Ambry Variant Classification Scheme 2023. Collection method: clinical testing. Allele origin: germline.

Labcorp Genetics (formerly Invitae), Labcorp
Classification: Uncertain significance for Epileptic encephalopathy. Last evaluated: 2020-10-09. Review status: criteria provided, single submitter. Criteria: Invitae Variant Classification Sherloc (09022015). Collection method: clinical testing. Allele origin: germline.
Comment: In summary, the available evidence is currently insufficient to determine the role of this variant in disease. Therefore, it has been classified as a Variant of Uncertain Significance. Algorithms developed to predict the effect of missense changes on protein structure and function are either unavailable or do not agree on the potential impact of this missense change (SIFT: "Deleterious"; PolyPhen-2: "Benign"; Align-GVGD: "Class C0"). This variant has not been reported in the literature in individuals with RYR3-related conditions. This variant is present in population databases (rs199625290, ExAC 0.02%). This sequence change replaces isoleucine with valine at codon 3367 of the RYR3 protein (p.Ile3367Val). The isoleucine residue is highly conserved and there is a small physicochemical difference between isoleucine and valine.

NM_001036.6(RYR3):c.10099A>G (p.Ile3367Val)

Gene: RYR3 (ryanodine receptor 3; plus strand). Cytogenetic location: 15q14.
Variant type: single nucleotide variant.
Coding change: c.10099A>G on transcript NM_001036.6 (MANE Select); coding-DNA position 10099, A replaced by G.
Protein change: p.Ile3367Val; replaces isoleucine 3367 with valine.
Molecular consequence: missense variant.
Genome position (GRCh38, 1-based): chr15:33,810,551, A>G. VCF-style: chr15-33810551-A-G. GRCh37 (hg19) VCF-style: chr15-34102752-A-G.
Other names: c.10099A>G (NM_001036.3); c.10084A>G, p.Ile3362Val (NM_001243996.4); short protein forms I3367V, I3362V.
Identifiers: ClinVar variation 1041129 (VCV001041129.10), dbSNP rs199625290, ClinGen allele CA7460736.